The following is an entry in ClinVar:

ClinVar aggregate classification (germline): Conflicting classifications of pathogenicity. Review status: criteria provided, conflicting classifications (1 of 4 stars). 2 submissions from 2 submitters: Uncertain significance (1); Likely benign (1). Last evaluated 2026-05-01.

Conditions:
Inborn genetic diseases. Identifiers: MedGen C0950123, MeSH D030342.

Allele frequency attached by ClinVar (database versions not stated): gnomAD exomes 0.00002; gnomAD 0.00004; TOPMed 0.00005; ExAC 0.00006.
gnomAD v4.1: 40 of 1,557,908 alleles (0.0026%); highest among the groups gnomAD compares: Middle Eastern, 0.069%; no homozygotes.

Submissions (2):

CeGaT Center for Human Genetics Tuebingen
Classification: Likely benign. Last evaluated: 2026-05-01. Review status: criteria provided, single submitter. Criteria: CeGaT Center For Human Genetics Tuebingen Variant Classification Criteria Version 2. Collection method: clinical testing. Allele origin: germline. Affected: yes. Observed: 1 variant allele.
Comment: SRRM2: BP4, BS2

Ambry Genetics
Classification: Uncertain significance for Inborn genetic diseases. Last evaluated: 2022-06-29. Review status: criteria provided, single submitter. Criteria: Ambry Variant Classification Scheme 2023. Collection method: clinical testing. Allele origin: germline.

NM_016333.4(SRRM2):c.8018G>A (p.Arg2673Gln)

Gene: SRRM2 (serine/arginine repetitive matrix 2; plus strand). Cytogenetic location: 16p13.3.
Variant type: single nucleotide variant.
Coding change: c.8018G>A on transcript NM_016333.4 (MANE Select); coding-DNA position 8018, G replaced by A.
Protein change: p.Arg2673Gln; replaces arginine 2673 with glutamine.
Molecular consequence: missense variant.
Genome position (GRCh38, 1-based): chr16:2,769,281, G>A. VCF-style: chr16-2769281-G-A. GRCh37 (hg19) VCF-style: chr16-2819282-G-A.
Other names: short protein forms R2673Q.
Identifiers: ClinVar variation 2243066 (VCV002243066.4), dbSNP rs773683657, ClinGen allele CA7849386.
Genomic context (GRCh38, chr16:2,769,281, plus strand): 5'-AGCCTGGCCCTCAGGCCTTGCCCAAACCTGCAAGCCCCAAGAAGCCACCCCCTGGCGAGC[G>A]GAGGTGAGTGCTGTCTTGCCTGAGTTGAAAGGTGGGTGGGGGAGTGACTTGTCCAGAGAA-3'
Protein context (NP_057417.3, residues 2663-2683): ASPKKPPPGE[Arg2673Gln]RSRSPRKPID